The following is an entry in ClinVar:

ClinVar aggregate classification (germline): Uncertain significance. Review status: criteria provided, multiple submitters, no conflicts (2 of 4 stars). 2 submissions from 2 submitters: Uncertain significance (2). Last evaluated 2025-08-01.

Submissions (2):

Labcorp Genetics (formerly Invitae), Labcorp
Classification: Uncertain significance. Last evaluated: 2025-08-01. Review status: criteria provided, single submitter. Criteria: Invitae Variant Classification Sherloc (09022015). Collection method: clinical testing. Allele origin: germline.
Comment: This sequence change replaces isoleucine, which is neutral and non-polar, with asparagine, which is neutral and polar, at codon 354 of the TOP2B protein (p.Ile354Asn). This variant is not present in population databases (gnomAD no frequency). This variant has not been reported in the literature in individuals affected with TOP2B-related conditions. ClinVar contains an entry for this variant (Variation ID: 2503391). An algorithm developed to predict the effect of missense changes on protein structure and function (PolyPhen-2) suggests that this variant is likely to be tolerated. In summary, the available evidence is currently insufficient to determine the role of this variant in disease. Therefore, it has been classified as a Variant of Uncertain Significance.

GeneDx
Classification: Uncertain significance. Last evaluated: 2022-11-29. Review status: criteria provided, single submitter. Criteria: GeneDx Variant Classification Process June 2021. Collection method: clinical testing. Allele origin: germline. Affected: yes.
Comment: Not observed at significant frequency in large population cohorts (gnomAD); In silico analysis supports that this missense variant has a deleterious effect on protein structure/function; Has not been previously published as pathogenic or benign to our knowledge

NM_001330700.2(TOP2B):c.1076T>A (p.Ile359Asn)

Gene: TOP2B (DNA topoisomerase II beta; minus strand). Cytogenetic location: 3p24.2.
Variant type: single nucleotide variant.
Coding change: c.1076T>A on transcript NM_001330700.2 (MANE Select); coding-DNA position 1076, T replaced by A.
Protein change: p.Ile359Asn; replaces isoleucine 359 with asparagine.
Molecular consequence: missense variant.
Genome position (GRCh38, 1-based): chr3:25,632,745, A>T on the plus strand (T>A on the coding strand, the complement: TOP2B is on the minus strand). VCF-style: chr3-25632745-A-T. GRCh37 (hg19) VCF-style: chr3-25674236-A-T.
Other names: c.1061T>A, p.Ile354Asn (NM_001068.3); short protein forms I354N, I359N.
Identifiers: ClinVar variation 2503391 (VCV002503391.2), dbSNP rs778366146, ClinGen allele CA351910786.